The following is an entry in ClinVar:

NM_001715.3(BLK):c.674C>T (p.Pro225Leu)

Genes: BLK (BLK proto-oncogene, Src family tyrosine kinase), BLK-AS1 (BLK antisense RNA 1). Cytogenetic location: 8p23.1.
Variant type: single nucleotide variant.
Coding change: c.674C>T on transcript NM_001715.3 (MANE Select); coding-DNA position 674, C replaced by T.
Protein change: p.Pro225Leu; replaces proline 225 with leucine.
Molecular consequence: missense variant.
Genome position (GRCh38, 1-based): chr8:11,555,386, C>T. VCF-style: chr8-11555386-C-T. GRCh37 (hg19) VCF-style: chr8-11412895-C-T.
Other names: c.461C>T, p.Pro154Leu (NM_001330465.2); short protein forms P225L, P154L.
Identifiers: ClinVar variation 499795 (VCV000499795.22), dbSNP rs144592409, ClinGen allele CA4630032.

ClinVar aggregate classification (germline): Conflicting classifications of pathogenicity. Review status: criteria provided, conflicting classifications (1 of 4 stars). 5 submissions from 5 submitters: Uncertain significance (2); Likely benign (3). Last evaluated 2026-01-11.

Conditions:
Maturity-onset diabetes of the young type 11. Identifiers: Orphanet 552, MedGen C3150618, MONDO:0013242, OMIM 613375.

Allele frequency attached by ClinVar (database versions not stated): 1000 Genomes Project 0.00140; 1000 Genomes Project 30x 0.00187; gnomAD 0.00230; ESP Exome Variant Server 0.00231; TOPMed 0.00234.
gnomAD v4.1: 642 of 1,614,150 alleles (0.04%); highest among the groups gnomAD compares: African/African-American, 0.72%; no homozygotes.

Submissions (5):

Labcorp Genetics (formerly Invitae), Labcorp
Classification: Likely benign. Last evaluated: 2026-01-11. Review status: criteria provided, single submitter. Criteria: Invitae Variant Classification Sherloc (09022015). Collection method: clinical testing. Allele origin: germline.

Clinical Genomics Laboratory, Washington University in St. Louis
Classification: Uncertain significance for Maturity-onset diabetes of the young type 11. Last evaluated: 2025-12-05. Review status: criteria provided, single submitter. Criteria: ACMG Guidelines, 2015. Collection method: clinical testing. Allele origin: germline.
Comment: A BLK c.674C>T (p.Pro225Leu) variant was identified in a heterozygous state. This variant, to our knowledge, has not been reported in the medical literature. It has been reported in the ClinVar database as a germline likely benign variant by three submitters and a variant of uncertain significance by one submitter (Variation ID: 499795). The BLK c.674C>T (p.Pro225Leu) variant is observed on 217/282,716 alleles in the general population (gnomAD v2.1.1). Computational predictors are uncertain as to the impact of this variant on BLK function. Due to limited information, and based on ACMG/AMP guidelines for variant interpretation (Richards S et al., PMID: 25741868), the clinical significance of this variant is uncertain at this time.

ARUP Laboratories, Molecular Genetics and Genomics, ARUP Laboratories
Classification: Likely benign for Maturity-onset diabetes of the young type 11. Last evaluated: 2023-09-22. Review status: criteria provided, single submitter. Criteria: ARUP Molecular Germline Variant Investigation Process 2024. Collection method: clinical testing. Allele origin: germline.

GeneDx
Classification: Likely benign. Last evaluated: 2020-06-18. Review status: criteria provided, single submitter. Criteria: GeneDx Variant Classification Process June 2021. Collection method: clinical testing. Allele origin: germline. Affected: yes.
Comment: In silico analysis, which includes protein predictors and evolutionary conservation, supports a deleterious effect; Has not been previously published as pathogenic or benign to our knowledge

Eurofins Ntd Llc (ga)
Classification: Uncertain significance. Last evaluated: 2017-02-03. Review status: criteria provided, single submitter. Criteria: EGL Classification Definitions 2015. Collection method: clinical testing. Allele origin: germline. Observed: 1 variant allele, 1 heterozygote.